The following is an entry in ClinVar:

ClinVar aggregate classification (germline): Uncertain significance (1 of 4 stars; one submission).

Conditions:
RYR1-related disorder. Also called: RYR1-related condition; RYR1-related disorders. Identifiers: MedGen CN239331.

Submission:

Labcorp Genetics (formerly Invitae), Labcorp
Classification: Uncertain significance for RYR1-related disorder. Last evaluated: 2021-10-17. Review status: criteria provided, single submitter. Criteria: Invitae Variant Classification Sherloc (09022015). Collection method: clinical testing. Allele origin: germline.
Comment: This variant, c.13248_13256del, results in the deletion of 3 amino acid(s) of the RYR1 protein (p.Glu4417_Ala4419del), but otherwise preserves the integrity of the reading frame. The frequency data for this variant in the population databases is considered unreliable, as metrics indicate insufficient coverage at this position in the ExAC database. This variant has not been reported in the literature in individuals affected with RYR1-related conditions. Experimental studies and prediction algorithms are not available or were not evaluated, and the functional significance of this variant is currently unknown. In summary, the available evidence is currently insufficient to determine the role of this variant in disease. Therefore, it has been classified as a Variant of Uncertain Significance.

NM_000540.3(RYR1):c.13248_13256del (p.Glu4417_Ala4419del)

Gene: RYR1 (ryanodine receptor 1; plus strand). Cytogenetic location: 19q13.2.
Variant type: Deletion.
Coding change: c.13248_13256del on transcript NM_000540.3 (MANE Select); coding-DNA positions 13248 to 13256, 9 bases deleted (GGAGGGCGC; older notation c.13248_13256delGGAGGGCGC).
Protein change: p.Glu4417_Ala4419del.
Molecular consequence: inframe deletion.
Genome position (GRCh38, 1-based): chr19:38,565,582-38,565,590, GGAGGGCGC deleted; deleting any 9 consecutive bases within chr19:38,565,579-38,565,590 gives the same sequence; the c. name uses the placement nearest the transcript's 3' end. VCF-style (leftmost placement, unchanged base first): chr19-38565578-CCGCGGAGGG-C. GRCh37 (hg19) VCF-style: chr19-39056218-CCGCGGAGGG-C.
Other names: c.13233_13241del, p.Glu4412_Ala4414del (NM_001042723.2).
Identifiers: ClinVar variation 1360172 (VCV001360172.3), dbSNP rs2145846755, ClinGen allele CA2573156340.